The following is an entry in ClinVar:

NM_005726.6(TSFM):c.536_549del (p.Glu179fs)

Gene: TSFM (Ts translation elongation factor, mitochondrial; plus strand). Cytogenetic location: 12q14.1.
Variant type: Deletion.
Coding change: c.536_549del on transcript NM_005726.6 (MANE Select); coding-DNA positions 536 to 549, 14 bases deleted (AAGGCTCACTCAAG).
Protein change: p.Glu179fs; shifts the reading frame from glutamic acid 179.
Molecular consequence: frameshift variant. On other transcripts: intron variant (1).
Genome position (GRCh38, 1-based): chr12:57,793,038-57,793,051, AAGGCTCACTCAAG deleted; deleting any 14 consecutive bases within chr12:57,793,036-57,793,051 gives the same sequence; the c. name uses the placement nearest the transcript's 3' end. VCF-style (leftmost placement, unchanged base first): chr12-57793035-GAGAAGGCTCACTCA-G. GRCh37 (hg19) VCF-style: chr12-58186818-GAGAAGGCTCACTCA-G.
Other names: c.599_612del, p.Glu200fs (NM_001172696.2); c.536_549del, p.Glu179fs (NM_001172697.2); c.484-3139_484-3126del (NM_001172695.2); short protein forms E179fs, E200fs.
Identifiers: ClinVar variation 1075021 (VCV001075021.9), dbSNP rs2140424344, ClinGen allele CA2499221788.

ClinVar aggregate classification (germline): Pathogenic (1 of 4 stars; one submission).

Submission:

Labcorp Genetics (formerly Invitae), Labcorp
Classification: Pathogenic. Last evaluated: 2023-12-19. Review status: criteria provided, single submitter. Criteria: Invitae Variant Classification Sherloc (09022015). Collection method: clinical testing. Allele origin: germline.
Comment: This sequence change creates a premature translational stop signal (p.Glu200Glyfs*17) in the TSFM gene. While this is not anticipated to result in nonsense mediated decay, it is expected to disrupt the last 147 amino acid(s) of the TSFM protein. This variant is not present in population databases (gnomAD no frequency). This variant has not been reported in the literature in individuals affected with TSFM-related conditions. ClinVar contains an entry for this variant (Variation ID: 1075021). This variant disrupts a region of the TSFM protein in which other variant(s) (p.Gln324Argfs*11) have been determined to be pathogenic (Invitae). This suggests that this is a clinically significant region of the protein, and that variants that disrupt it are likely to be disease-causing. For these reasons, this variant has been classified as Pathogenic.